The following is an entry in ClinVar:

ClinVar aggregate classification (germline): Uncertain significance (1 of 4 stars; one submission).

Allele frequency attached by ClinVar (database versions not stated): gnomAD exomes below 0.00001; TOPMed 0.00001.

Submission:

Labcorp Genetics (formerly Invitae), Labcorp
Classification: Uncertain significance. Last evaluated: 2021-11-19. Review status: criteria provided, single submitter. Criteria: Invitae Variant Classification Sherloc (09022015). Collection method: clinical testing. Allele origin: germline.
Comment: This sequence change replaces serine, which is neutral and polar, with proline, which is neutral and non-polar, at codon 938 of the KMT2A protein (p.Ser938Pro). This variant is present in population databases (no rsID available, gnomAD 0.003%). This variant has not been reported in the literature in individuals affected with KMT2A-related conditions. Advanced modeling of protein sequence and biophysical properties (such as structural, functional, and spatial information, amino acid conservation, physicochemical variation, residue mobility, and thermodynamic stability) performed at Invitae indicates that this missense variant is not expected to disrupt KMT2A protein function. In summary, the available evidence is currently insufficient to determine the role of this variant in disease. Therefore, it has been classified as a Variant of Uncertain Significance.

NM_001197104.2(KMT2A):c.2812T>C (p.Ser938Pro)

Gene: KMT2A (lysine methyltransferase 2A; plus strand). Cytogenetic location: 11q23.3.
Variant type: single nucleotide variant.
Coding change: c.2812T>C on transcript NM_001197104.2 (MANE Select); coding-DNA position 2812, T replaced by C.
Protein change: p.Ser938Pro; replaces serine 938 with proline.
Molecular consequence: missense variant.
Genome position (GRCh38, 1-based): chr11:118,473,971, T>C. VCF-style: chr11-118473971-T-C. GRCh37 (hg19) VCF-style: chr11-118344686-T-C.
Other names: c.2812T>C, p.Ser938Pro (NM_005933.4); short protein forms S938P.
Identifiers: ClinVar variation 1380647 (VCV001380647.6), dbSNP rs1555036754, ClinGen allele CA382818058.